The following is an entry in ClinVar:

NM_025132.4(WDR19):c.2779G>A (p.Val927Ile)

Gene: WDR19 (WD repeat domain 19; plus strand). Cytogenetic location: 4p14.
Variant type: single nucleotide variant.
Coding change: c.2779G>A on transcript NM_025132.4 (MANE Select); coding-DNA position 2779, G replaced by A.
Protein change: p.Val927Ile; replaces valine 927 with isoleucine.
Molecular consequence: missense variant.
Genome position (GRCh38, 1-based): chr4:39,253,195, G>A. VCF-style: chr4-39253195-G-A. GRCh37 (hg19) VCF-style: chr4-39254815-G-A.
Other names: c.2299G>A, p.Val767Ile (NM_001317924.2); short protein forms V767I, V927I.
Identifiers: ClinVar variation 1524948 (VCV001524948.5), dbSNP rs757105603, ClinGen allele CA2892190.

ClinVar aggregate classification (germline): Uncertain significance. Review status: criteria provided, multiple submitters, no conflicts (2 of 4 stars). 2 submissions from 2 submitters: Uncertain significance (2). Last evaluated 2025-05-05.

Conditions:
Spermatogenic failure 72 (SPGF72). Identifiers: MedGen C5676980, MONDO:0030809, OMIM 619867.
Asphyxiating thoracic dystrophy 5 (SRTD5). Also called: SHORT-RIB THORACIC DYSPLASIA 5 WITH OR WITHOUT POLYDACTYLY; SHORT-RIB THORACIC DYSPLASIA 5 WITHOUT POLYDACTYLY. Identifiers: Orphanet 474, MedGen C3280598, MONDO:0013717, OMIM 614376.
Nephronophthisis 13 (NPHP13). Identifiers: Orphanet 655, MedGen C3280612, MONDO:0013718, OMIM 614377.
Cranioectodermal dysplasia 4 (CED4). Identifiers: Orphanet 1515, MedGen C3280616, MONDO:0013719, OMIM 614378.
Senior-Loken syndrome 8 (SLSN8). Identifiers: Orphanet 3156, MedGen C4225376, MONDO:0014579, OMIM 616307.

Allele frequency attached by ClinVar (database versions not stated): ExAC 0.00001; gnomAD 0.00001; gnomAD exomes 0.00001 and 0.00002; TOPMed 0.00002.
gnomAD v4.1: 21 of 1,612,880 alleles (0.0013%); highest among the groups gnomAD compares: Admixed American, 0.0067%; no homozygotes.

Submissions (2):

Labcorp Genetics (formerly Invitae), Labcorp
Classification: Uncertain significance for Senior-Loken syndrome 8; Asphyxiating thoracic dystrophy 5. Last evaluated: 2025-05-05. Review status: criteria provided, single submitter. Criteria: Invitae Variant Classification Sherloc (09022015). Collection method: clinical testing. Allele origin: germline.
Comment: This sequence change replaces valine, which is neutral and non-polar, with isoleucine, which is neutral and non-polar, at codon 927 of the WDR19 protein (p.Val927Ile). This variant is present in population databases (rs757105603, gnomAD 0.006%). This variant has not been reported in the literature in individuals affected with WDR19-related conditions. ClinVar contains an entry for this variant (Variation ID: 1524948). Invitae Evidence Modeling of protein sequence and biophysical properties (such as structural, functional, and spatial information, amino acid conservation, physicochemical variation, residue mobility, and thermodynamic stability) indicates that this missense variant is not expected to disrupt WDR19 protein function with a negative predictive value of 80%. In summary, the available evidence is currently insufficient to determine the role of this variant in disease. Therefore, it has been classified as a Variant of Uncertain Significance.

Fulgent Genetics
Classification: Uncertain significance for Asphyxiating thoracic dystrophy 5; Nephronophthisis 13; Cranioectodermal dysplasia 4; Senior-Loken syndrome 8; Spermatogenic failure 72. Last evaluated: 2022-04-05. Review status: criteria provided, single submitter. Criteria: ACMG Guidelines, 2015. Collection method: clinical testing. Allele origin: unknown.